The following is an entry in ClinVar:

ClinVar aggregate classification (germline): Uncertain significance (1 of 4 stars; one submission).

Submission:

Labcorp Genetics (formerly Invitae), Labcorp
Classification: Uncertain significance. Last evaluated: 2022-03-12. Review status: criteria provided, single submitter. Criteria: Invitae Variant Classification Sherloc (09022015). Collection method: clinical testing. Allele origin: germline.
Comment: In summary, the available evidence is currently insufficient to determine the role of this variant in disease. Therefore, it has been classified as a Variant of Uncertain Significance. Algorithms developed to predict the effect of missense changes on protein structure and function (SIFT, PolyPhen-2, Align-GVGD) all suggest that this variant is likely to be disruptive. This variant has not been reported in the literature in individuals affected with SYT2-related conditions. This variant is not present in population databases (gnomAD no frequency). This sequence change replaces tyrosine, which is neutral and polar, with serine, which is neutral and polar, at codon 227 of the SYT2 protein (p.Tyr227Ser).

NM_177402.5(SYT2):c.680A>C (p.Tyr227Ser)

Gene: SYT2 (synaptotagmin 2; minus strand). Cytogenetic location: 1q32.1.
Variant type: single nucleotide variant.
Coding change: c.680A>C on transcript NM_177402.5 (MANE Select); coding-DNA position 680, A replaced by C.
Protein change: p.Tyr227Ser; replaces tyrosine 227 with serine.
Molecular consequence: missense variant.
Genome position (GRCh38, 1-based): chr1:202,602,011, T>G on the plus strand (A>C on the coding strand, the complement: SYT2 is on the minus strand). VCF-style: chr1-202602011-T-G. GRCh37 (hg19) VCF-style: chr1-202571139-T-G.
Other names: c.680A>C, p.Tyr227Ser (NM_001136504.1); short protein forms Y227S.
Identifiers: ClinVar variation 2110384 (VCV002110384.4), dbSNP rs1348099786, ClinGen allele CA344257535.